The following is an entry in ClinVar:

NM_006092.4(NOD1):c.2201+36C>T

Gene: NOD1 (nucleotide binding oligomerization domain containing 1; minus strand). Cytogenetic location: 7p14.3.
Variant type: single nucleotide variant.
Coding change: c.2201+36C>T on transcript NM_006092.4 (MANE Select); 36 bases into the intron after coding-DNA position 2201, C replaced by T.
Molecular consequence: intron variant.
Genome position (GRCh38, 1-based): chr7:30,451,180, G>A on the plus strand (C>T on the coding strand, the complement: NOD1 is on the minus strand). VCF-style: chr7-30451180-G-A. GRCh37 (hg19) VCF-style: chr7-30490796-G-A.
Other names: c.2201+36C>T (NM_001354849.2).
Identifiers: ClinVar variation 103094 (VCV000103094.2), dbSNP rs199476264, ClinGen allele CA230111.

ClinVar aggregate classification (germline): not provided (0 of 4 stars; one submission).

Allele frequency attached by ClinVar (database versions not stated): ExAC 0.00013; gnomAD exomes 0.00014 and 0.00015; ESP Exome Variant Server 0.00015; 1000 Genomes Project 30x 0.00016; gnomAD 0.00016 and 0.00019; TOPMed 0.00018; 1000 Genomes Project 0.00020.
gnomAD v4.1: 241 of 1,596,334 alleles (0.015%); highest among the groups gnomAD compares: Middle Eastern, 0.034%; 1 homozygote.

Submission:

Human Evolutionary Genetics, Institut Pasteur
No classification provided. Review status: no classification provided. Collection method: not provided. Allele origin: germline.
ClinVar note: Converted during submission from untested to not provided.